The following is an entry in ClinVar:

ClinVar aggregate classification (germline): Uncertain significance. Review status: criteria provided, multiple submitters, no conflicts (2 of 4 stars). 3 submissions from 3 submitters: Uncertain significance (3). Last evaluated 2024-09-23.

Conditions:
Cardiovascular phenotype. Identifiers: MedGen CN230736.

Allele frequency attached by ClinVar (database versions not stated): gnomAD 0.00001; gnomAD exomes 0.00001 and 0.00005; TOPMed 0.00001; ExAC 0.00005.

Submissions (3):

Labcorp Genetics (formerly Invitae), Labcorp
Classification: Uncertain significance. Last evaluated: 2024-09-23. Review status: criteria provided, single submitter. Criteria: Invitae Variant Classification Sherloc (09022015). Collection method: clinical testing. Allele origin: germline.
Comment: This sequence change replaces alanine, which is neutral and non-polar, with valine, which is neutral and non-polar, at codon 204 of the APOA1 protein (p.Ala204Val). This variant is present in population databases (rs781353714, gnomAD 0.01%). This variant has not been reported in the literature in individuals affected with APOA1-related conditions. ClinVar contains an entry for this variant (Variation ID: 1306552). Invitae Evidence Modeling of protein sequence and biophysical properties (such as structural, functional, and spatial information, amino acid conservation, physicochemical variation, residue mobility, and thermodynamic stability) has been performed for this missense variant. However, the output from this modeling did not meet the statistical confidence thresholds required to predict the impact of this variant on APOA1 protein function. In summary, the available evidence is currently insufficient to determine the role of this variant in disease. Therefore, it has been classified as a Variant of Uncertain Significance.

Ambry Genetics
Classification: Uncertain significance for Cardiovascular phenotype. Last evaluated: 2023-08-04. Review status: criteria provided, single submitter. Criteria: Ambry Variant Classification Scheme 2023. Collection method: clinical testing. Allele origin: germline.

GeneDx
Classification: Uncertain significance. Last evaluated: 2019-06-14. Review status: criteria provided, single submitter. Criteria: GeneDx Variant Classification Process June 2021. Collection method: clinical testing. Allele origin: germline. Affected: yes.
Comment: Has not been previously published as pathogenic or benign to our knowledge; In silico analysis, which includes protein predictors and evolutionary conservation, supports that this variant does not alter protein structure/function

NM_000039.3(APOA1):c.611C>T (p.Ala204Val)

Gene: APOA1 (apolipoprotein A1; minus strand). Cytogenetic location: 11q23.3.
Variant type: single nucleotide variant.
Coding change: c.611C>T on transcript NM_000039.3 (MANE Select); coding-DNA position 611, C replaced by T.
Protein change: p.Ala204Val; replaces alanine 204 with valine.
Molecular consequence: missense variant.
Genome position (GRCh38, 1-based): chr11:116,836,001, G>A on the plus strand (C>T on the coding strand, the complement: APOA1 is on the minus strand). VCF-style: chr11-116836001-G-A. GRCh37 (hg19) VCF-style: chr11-116706717-G-A.
Other names: c.611C>T, p.Ala204Val (NM_001318017.2, NM_001318018.2); c.284C>T, p.Ala95Val (NM_001318021.2); short protein forms A204V, A95V.
Identifiers: ClinVar variation 1306552 (VCV001306552.10), dbSNP rs781353714, ClinGen allele CA6289773.